The following is an entry in ClinVar:

ClinVar aggregate classification (germline): Uncertain significance. Review status: criteria provided, multiple submitters, no conflicts (2 of 4 stars). 2 submissions from 2 submitters: Uncertain significance (2). Last evaluated 2024-02-14.

Conditions:
Methylmalonic acidemia with homocystinuria, type cblX (MAHCX). Also called: INTELLECTUAL DEVELOPMENTAL DISORDER, X-LINKED 3. Identifiers: Orphanet 369962, MedGen C0796208, MONDO:0010657, OMIM 309541.

Allele frequency attached by ClinVar (database versions not stated): gnomAD 0.00001; TOPMed 0.00001; ExAC 0.00004.
gnomAD v4.1: 4 of 1,201,096 alleles (0.00033%); highest among the groups gnomAD compares: Admixed American, 0.0022%; no homozygotes.

Submissions (2):

Women's Health and Genetics/Laboratory Corporation of America, LabCorp
Classification: Uncertain significance. Last evaluated: 2024-02-14. Review status: criteria provided, single submitter. Criteria: LabCorp Variant Classification Summary - May 2015. Collection method: clinical testing. Allele origin: germline.
Comment: Variant summary: HCFC1 c.3707C>T (p.Ala1236Val) results in a non-conservative amino acid change in the encoded protein sequence. Four of five in-silico tools predict a benign effect of the variant on protein function. The variant allele was found at a frequency of 2.6e-05 in 153872 control chromosomes. The available data on variant occurrences in the general population are insufficient to allow any conclusion about variant significance. To our knowledge, no occurrence of c.3707C>T in individuals affected with Methylmalonic Acidemia With Homocystinuria and no experimental evidence demonstrating its impact on protein function have been reported. ClinVar contains an entry for this variant (Variation ID: 2432370). Based on the evidence outlined above, the variant was classified as uncertain significance.

Revvity Omics, Revvity
Classification: Uncertain significance for Methylmalonic acidemia with homocystinuria, type cblX. Last evaluated: 2022-04-22. Review status: criteria provided, single submitter. Criteria: ACMG Guidelines, 2015. Collection method: clinical testing. Allele origin: germline.

NM_005334.3(HCFC1):c.3707C>T (p.Ala1236Val)

Gene: HCFC1 (host cell factor C1; minus strand). Cytogenetic location: Xq28.
Variant type: single nucleotide variant.
Coding change: c.3707C>T on transcript NM_005334.3 (MANE Select); coding-DNA position 3707, C replaced by T.
Protein change: p.Ala1236Val; replaces alanine 1236 with valine.
Molecular consequence: missense variant.
Genome position (GRCh38, 1-based): chrX:153,954,692, G>A on the plus strand (C>T on the coding strand, the complement: HCFC1 is on the minus strand). VCF-style: chrX-153954692-G-A. GRCh37 (hg19) VCF-style: chrX-153220143-G-A.
Other names: c.3707C>T, p.Ala1236Val (NM_001410705.1); short protein forms A1236V.
Identifiers: ClinVar variation 2432370 (VCV002432370.5), dbSNP rs781908241, ClinGen allele CA10557151.